The following is an entry in ClinVar:

NM_000254.3(MTR):c.*1684C>T

Gene: MTR (5-methyltetrahydrofolate-homocysteine methyltransferase; plus strand). Cytogenetic location: 1q43.
Variant type: single nucleotide variant.
Coding change: c.*1684C>T on transcript NM_000254.3 (MANE Select); 1684 bases downstream of the stop codon, C replaced by T.
Molecular consequence: 3 prime UTR variant.
Genome position (GRCh38, 1-based): chr1:236,899,328, C>T. VCF-style: chr1-236899328-C-T. GRCh37 (hg19) VCF-style: chr1-237062628-C-T.
Other names: c.*1684C>T (NM_001291939.1, NM_001291940.2).
Identifiers: ClinVar variation 296618 (VCV000296618.6), dbSNP rs1804742, ClinGen allele CA10610648.

ClinVar aggregate classification (germline): Benign. Review status: criteria provided, multiple submitters, no conflicts (2 of 4 stars). 2 submissions from 2 submitters: Benign (2). Last evaluated 2018-01-12.

Conditions:
Disorders of Intracellular Cobalamin Metabolism. Identifiers: MedGen CN043592.

Allele frequency attached by ClinVar (database versions not stated): gnomAD exomes 0.06250; TOPMed 0.20022; 1000 Genomes Project 0.20367; gnomAD 0.20553 and 0.20599; 1000 Genomes Project 30x 0.20690.

Submissions (2):

Illumina Laboratory Services, Illumina
Classification: Benign for Disorders of Intracellular Cobalamin Metabolism. Last evaluated: 2018-01-12. Review status: criteria provided, single submitter. Criteria: ICSL Variant Classification Criteria 13 December 2019. Collection method: clinical testing. Allele origin: germline.
Comment: This variant was observed in the ICSL laboratory as part of a predisposition screen in an ostensibly healthy population. It had not been previously curated by ICSL or reported in the Human Gene Mutation Database (HGMD: prior to June 1st, 2018), and was therefore a candidate for classification through an automated scoring system. Utilizing variant allele frequency, disease prevalence and penetrance estimates, and inheritance mode, an automated score was calculated to assess if this variant is too frequent to cause the disease. Based on the score and internal cut-off values, a variant classified as benign is not then subjected to further curation. The score for this variant resulted in a classification of benign for this disease.

Breakthrough Genomics
Classification: Benign. Review status: criteria provided, single submitter. Criteria: ACMG Guidelines, 2015. Collection method: not provided. Allele origin: germline. Inheritance: Autosomal recessive inheritance. Affected: yes.